The following is an entry in ClinVar:

ClinVar aggregate classification (germline): Conflicting classifications of pathogenicity. Review status: criteria provided, conflicting classifications (1 of 4 stars). 4 submissions from 4 submitters: Likely pathogenic (1); Uncertain significance (3). Last evaluated 2024-05-13.

Conditions:
Hereditary cancer-predisposing syndrome. Also called: Neoplastic Syndromes, Hereditary; Hereditary neoplastic syndrome; Tumor predisposition; Hereditary Cancer Syndrome. Identifiers: Orphanet 140162, MedGen C0027672, MeSH D009386, MONDO:0015356.
Cardiovascular phenotype. Identifiers: MedGen CN230736.
Neurofibromatosis, type 1 (NF1). Also called: Peripheral type neurofibromatosis; Neurofibromatosis, type I; VON RECKLINGHAUSEN DISEASE; NEUROFIBROMATOSIS, TYPE I, SOMATIC. Identifiers: Orphanet 636, MedGen C0027831, MONDO:0018975, OMIM 162200. Disease mechanism: loss of function.

Allele frequency attached by ClinVar (database versions not stated): gnomAD exomes below 0.00001.
gnomAD v4.1: 1 of 1,602,546 alleles (0.000062%); highest among the groups gnomAD compares: Non-Finnish European, 0.000085%; no homozygotes.

Submissions (4):

GeneDx
Classification: Likely pathogenic. Last evaluated: 2024-05-13. Review status: criteria provided, single submitter. Criteria: GeneDx Variant Classification Process June 2021. Collection method: clinical testing. Allele origin: germline. Affected: yes.
Comment: RNA studies demonstrate a damaging effect: aberrant splicing leading to premature protein truncation (PMID: 31370276); Observed in individuals with features of NF1-related neurofibromatosis referred for genetic testing at GeneDx and in published literature; Not observed at significant frequency in large population cohorts (gnomAD); In silico analysis supports that this missense variant has a deleterious effect on protein structure/function; This variant is associated with the following publications: (PMID: 31370276, 25486365)

Labcorp Genetics (formerly Invitae), Labcorp
Classification: Uncertain significance for Neurofibromatosis, type 1. Last evaluated: 2022-10-25. Review status: criteria provided, single submitter. Criteria: Invitae Variant Classification Sherloc (09022015). Collection method: clinical testing. Allele origin: germline.
Comment: This sequence change replaces alanine, which is neutral and non-polar, with serine, which is neutral and polar, at codon 548 of the NF1 protein (p.Ala548Ser). This variant is not present in population databases (gnomAD no frequency). This missense change has been observed in individual(s) with clinical features of neurofibromatosis-Noonan syndrome (PMID: 31370276). ClinVar contains an entry for this variant (Variation ID: 834162). Algorithms developed to predict the effect of missense changes on protein structure and function are either unavailable or do not agree on the potential impact of this missense change (SIFT: "Tolerated"; PolyPhen-2: "Probably Damaging"; Align-GVGD: "Class C0"). Algorithms developed to predict the effect of sequence changes on RNA splicing suggest that this variant may disrupt the consensus splice site. In summary, the available evidence is currently insufficient to determine the role of this variant in disease. Therefore, it has been classified as a Variant of Uncertain Significance.

Genome-Nilou Lab
Classification: Uncertain significance for Neurofibromatosis, type 1. Last evaluated: 2022-03-15. Review status: criteria provided, single submitter. Criteria: ACMG Guidelines, 2015. Collection method: clinical testing. Allele origin: germline. Affected: no.

Ambry Genetics
Classification: Uncertain significance for Cardiovascular phenotype; Hereditary cancer-predisposing syndrome. Last evaluated: 2021-08-24. Review status: criteria provided, single submitter. Criteria: Ambry Variant Classification Scheme 2023. Collection method: clinical testing. Allele origin: germline.
Comment: The p.A548S variant (also known as c.1642G>T), located in coding exon 15 of the NF1 gene, results from a G to T substitution at nucleotide position 1642. This variant impacts the first base pair of coding exon 15. The alanine at codon 548 is replaced by serine, an amino acid with similar properties. This alteration was identified in a individual with cafe au lait macules and an affected first-degree relative (Giugliano T et al. Genes (Basel), 2019 07;10:). This amino acid position is highly conserved in available vertebrate species. In addition, the in silico prediction for this alteration is inconclusive. Since supporting evidence is limited at this time, the clinical significance of this alteration remains unclear.

Literature cited by the submitters: PubMed 31370276 (cited by Labcorp Genetics (formerly Invitae), Labcorp).

NM_001042492.3(NF1):c.1642G>T (p.Ala548Ser)

Gene: NF1 (neurofibromin 1; plus strand). Cytogenetic location: 17q11.2.
Variant type: single nucleotide variant.
Coding change: c.1642G>T on transcript NM_001042492.3 (MANE Select); coding-DNA position 1642, G replaced by T.
Protein change: p.Ala548Ser; replaces alanine 548 with serine.
Molecular consequence: missense variant.
Genome position (GRCh38, 1-based): chr17:31,221,850, G>T. VCF-style: chr17-31221850-G-T. GRCh37 (hg19) VCF-style: chr17-29548868-G-T.
Other names: c.1642G>T, p.Ala548Ser (NM_000267.4, NM_001128147.3); short protein forms A548S.
Identifiers: ClinVar variation 834162 (VCV000834162.14), dbSNP rs2066927450, ClinGen allele CA399002211.
Genomic context (GRCh38, chr17:31,221,850, plus strand): 5'-GTTTACCAAAAATGTTTGAGTGAGTCTTCTCTTTGTCTTTCTCTTTTTTAAAAAATTCAG[G>T]CTCTGCTGGTTCTTCATCAGTTAGATAGCATTGATTTGTGGAATCCTGATGCTCCTGTAG-3'
Protein context (NP_001035957.1, residues 538-558): MPEIAQEAME[Ala548Ser]LLVLHQLDSI